The following is an entry in ClinVar:

NM_001040108.2(MLH3):c.307A>C (p.Met103Leu)

Gene: MLH3 (mutL homolog 3; minus strand). Cytogenetic location: 14q24.3.
Variant type: single nucleotide variant.
Coding change: c.307A>C on transcript NM_001040108.2 (MANE Select); coding-DNA position 307, A replaced by C.
Protein change: p.Met103Leu; replaces methionine 103 with leucine.
Molecular consequence: missense variant.
Genome position (GRCh38, 1-based): chr14:75,049,349, T>G on the plus strand (A>C on the coding strand, the complement: MLH3 is on the minus strand). VCF-style: chr14-75049349-T-G. GRCh37 (hg19) VCF-style: chr14-75516052-T-G.
Other names: c.307A>C, p.Met103Leu (NM_014381.3); short protein forms M103L.
Identifiers: ClinVar variation 4055424 (VCV004055424.1).

ClinVar aggregate classification (germline): Uncertain significance (1 of 4 stars; one submission).

Submission:

Ambry Genetics
Classification: Uncertain significance. Last evaluated: 2025-05-27. Review status: criteria provided, single submitter. Criteria: Ambry Variant Classification Scheme 2023. Collection method: clinical testing. Allele origin: germline.
Comment: The p.M103L variant (also known as c.307A>C), located in coding exon 1 of the MLH3 gene, results from an A to C substitution at nucleotide position 307. The methionine at codon 103 is replaced by leucine, an amino acid with highly similar properties. This amino acid position is conserved. In addition, this alteration is predicted to be tolerated by in silico analysis. Based on the available evidence, the clinical significance of this variant remains unclear.